The following is an entry in ClinVar:

NM_020631.6(PLEKHG5):c.1184G>A (p.Arg395His)

Gene: PLEKHG5 (pleckstrin homology and RhoGEF domain containing G5; minus strand). Cytogenetic location: 1p36.31.
Variant type: single nucleotide variant.
Coding change: c.1184G>A on transcript NM_020631.6 (MANE Select); coding-DNA position 1184, G replaced by A.
Protein change: p.Arg395His; replaces arginine 395 with histidine.
Molecular consequence: missense variant.
Genome position (GRCh38, 1-based): chr1:6,471,585, C>T on the plus strand (G>A on the coding strand, the complement: PLEKHG5 is on the minus strand). VCF-style: chr1-6471585-C-T. GRCh37 (hg19) VCF-style: chr1-6531645-C-T.
Other names: c.1295G>A, p.Arg432His (NM_001042663.3, NM_001265592.2); c.1184G>A, p.Arg395His (NM_001042664.2, NM_001042665.2, NM_001265594.3 and 1 more transcripts); c.1391G>A, p.Arg464His (NM_001265593.2); short protein forms R464H, R395H, R432H.
Identifiers: ClinVar variation 1461101 (VCV001461101.5), dbSNP rs779612506, ClinGen allele CA561606.

ClinVar aggregate classification (germline): Uncertain significance (1 of 4 stars; one submission).

Conditions:
Neuronopathy, distal hereditary motor, autosomal recessive 4. Also called: Autosomal recessive lower motor neuron disease with childhood onset; NEUROPATHY, DISTAL HEREDITARY MOTOR, AUTOSOMAL RECESSIVE 4. Identifiers: Orphanet 206580, MedGen C1970211, MONDO:0012608, OMIM 611067.
Charcot-Marie-Tooth disease recessive intermediate C. Also called: CHARCOT-MARIE-TOOTH NEUROPATHY, RECESSIVE INTERMEDIATE C. Identifiers: Orphanet 369867, MedGen C3809309, MONDO:0014154, OMIM 615376.

Allele frequency attached by ClinVar (database versions not stated): TOPMed 0.00002; gnomAD 0.00003.
gnomAD v4.1: 11 of 1,599,728 alleles (0.00069%); highest among the groups gnomAD compares: Admixed American, 0.0035%; no homozygotes.

Submission:

Labcorp Genetics (formerly Invitae), Labcorp
Classification: Uncertain significance for Neuronopathy, distal hereditary motor, autosomal recessive 4; Charcot-Marie-Tooth disease recessive intermediate C. Last evaluated: 2021-09-24. Review status: criteria provided, single submitter. Criteria: Invitae Variant Classification Sherloc (09022015). Collection method: clinical testing. Allele origin: germline.
Comment: This sequence change replaces arginine with histidine at codon 395 of the PLEKHG5 protein (p.Arg395His). The arginine residue is moderately conserved and there is a small physicochemical difference between arginine and histidine. This variant is present in population databases (rs779612506, ExAC 0.003%). This variant has not been reported in the literature in individuals with PLEKHG5-related conditions. Algorithms developed to predict the effect of missense changes on protein structure and function (SIFT, PolyPhen-2, Align-GVGD) all suggest that this variant is likely to be tolerated, but these predictions have not been confirmed by published functional studies and their clinical significance is uncertain. In summary, the available evidence is currently insufficient to determine the role of this variant in disease. Therefore, it has been classified as a Variant of Uncertain Significance.